The following is an entry in ClinVar:

NM_020207.7(ERCC6L2):c.854C>G (p.Thr285Arg)

Gene: ERCC6L2 (ERCC excision repair 6 like 2; plus strand). Cytogenetic location: 9q22.32.
Variant type: single nucleotide variant.
Coding change: c.854C>G on transcript NM_020207.7 (MANE Select); coding-DNA position 854, C replaced by G.
Protein change: p.Thr285Arg; replaces threonine 285 with arginine.
Molecular consequence: missense variant. On other transcripts: non-coding transcript variant (1).
Genome position (GRCh38, 1-based): chr9:95,915,733, C>G. VCF-style: chr9-95915733-C-G. GRCh37 (hg19) VCF-style: chr9-98678015-C-G.
Other names: c.854C>G, p.Thr285Arg (NM_001010895.4, NM_001375291.1, NM_001375292.1 and 2 more transcripts); short protein forms T285R.
Identifiers: ClinVar variation 3845865 (VCV003845865.1).

ClinVar aggregate classification (germline): Uncertain significance (1 of 4 stars; one submission).

Conditions:
Inborn genetic diseases. Identifiers: MedGen C0950123, MeSH D030342.

Submission:

Ambry Genetics
Classification: Uncertain significance for Inborn genetic diseases. Last evaluated: 2025-01-11. Review status: criteria provided, single submitter. Criteria: Ambry Variant Classification Scheme 2023. Collection method: clinical testing. Allele origin: germline.
Comment: The p.T285R variant (also known as c.854C>G), located in coding exon 5 of the ERCC6L2 gene, results from a C to G substitution at nucleotide position 854. The threonine at codon 285 is replaced by arginine, an amino acid with similar properties. This amino acid position is conserved. In addition, this alteration is predicted to be deleterious by in silico analysis. Based on the available evidence, the clinical significance of this variant remains unclear.